The following is an entry in ClinVar:

NM_001876.4(CPT1A):c.1575+1G>A

Gene: CPT1A (carnitine palmitoyltransferase 1A; minus strand). Cytogenetic location: 11q13.3.
Variant type: single nucleotide variant.
Coding change: c.1575+1G>A on transcript NM_001876.4 (MANE Select); the canonical splice donor site of the intron after coding-DNA position 1575, G replaced by A.
Molecular consequence: splice donor variant.
Genome position (GRCh38, 1-based): chr11:68,775,315, C>T on the plus strand (G>A on the coding strand, the complement: CPT1A is on the minus strand). VCF-style: chr11-68775315-C-T. GRCh37 (hg19) VCF-style: chr11-68542783-C-T.
Other names: c.1575+1G>A (NM_001031847.3).
Identifiers: ClinVar variation 551355 (VCV000551355.5), dbSNP rs1282293820, ClinGen allele CA381629690.
Genomic context (GRCh38, chr11:68,775,315, plus strand): 5'-AAGACTTCAAATGTGTTTCCCATCCCAGGTAAGTAACAATGGTTGGATAATCCGGACTTA[C>T]TTCCCCCGGGATGTCCCACTGCAGCCTGGTGGGGTACGGAATGTTCGGATTGATGTCGCC-3'

ClinVar aggregate classification (germline): Likely pathogenic. Review status: criteria provided, single submitter (1 of 4 stars). 2 submissions from 2 submitters: Likely pathogenic (1). 1 of the submissions does not count toward it. Last evaluated 2023-01-16.

Conditions:
Carnitine palmitoyl transferase 1A deficiency. Also called: Carnitine palmitoyltransferase type I deficiency; Carnitine palmitoyltransferase 1A deficiency; CPT deficiency, hepatic, type IA; CPT I DEFICIENCY; CPT DEFICIENCY, HEPATIC, TYPE I. Identifiers: Orphanet 156, MedGen C1829703, MONDO:0009705, OMIM 255120.

gnomAD v4.1: 1 of 1,610,306 alleles (0.000062%); highest among the groups gnomAD compares: East Asian, 0.0022%; no homozygotes.

Submissions (2):

Labcorp Genetics (formerly Invitae), Labcorp
Classification: Likely pathogenic for Carnitine palmitoyl transferase 1A deficiency. Last evaluated: 2023-01-16. Review status: criteria provided, single submitter. Criteria: Invitae Variant Classification Sherloc (09022015). Collection method: clinical testing. Allele origin: germline.
Comment: This sequence change affects a donor splice site in intron 13 of the CPT1A gene. It is expected to disrupt RNA splicing. Variants that disrupt the donor or acceptor splice site typically lead to a loss of protein function (PMID: 16199547), and loss-of-function variants in CPT1A are known to be pathogenic (PMID: 16169268). In summary, the currently available evidence indicates that the variant is pathogenic, but additional data are needed to prove that conclusively. Therefore, this variant has been classified as Likely Pathogenic. Algorithms developed to predict the effect of sequence changes on RNA splicing suggest that this variant may disrupt the consensus splice site. ClinVar contains an entry for this variant (Variation ID: 551355). This variant has not been reported in the literature in individuals affected with CPT1A-related conditions. This variant is not present in population databases (gnomAD no frequency).

Counsyl
Classification: Likely pathogenic for Carnitine palmitoyl transferase 1A deficiency. Last evaluated: 2017-04-03. Review status: no assertion criteria provided. Collection method: clinical testing. Allele origin: unknown. Not counted in ClinVar's aggregate classification.

Literature cited by the submitters: PubMed 16199547 (cited by Labcorp Genetics (formerly Invitae), Labcorp); PubMed 16169268 (cited by Labcorp Genetics (formerly Invitae), Labcorp).